The following is an entry in ClinVar:

NM_001378328.1(CELSR1):c.6218C>T (p.Pro2073Leu)

Gene: CELSR1 (cadherin EGF LAG seven-pass G-type receptor 1; minus strand). Cytogenetic location: 22q13.31.
Variant type: single nucleotide variant.
Coding change: c.6218C>T on transcript NM_001378328.1 (MANE Select); coding-DNA position 6218, C replaced by T.
Protein change: p.Pro2073Leu; replaces proline 2073 with leucine.
Molecular consequence: missense variant.
Genome position (GRCh38, 1-based): chr22:46,391,218, G>A on the plus strand (C>T on the coding strand, the complement: CELSR1 is on the minus strand). VCF-style: chr22-46391218-G-A. GRCh37 (hg19) VCF-style: chr22-46787115-G-A.
Other names: c.6218C>T, p.Pro2073Leu (NM_014246.4); short protein forms P2073L.
Identifiers: ClinVar variation 4532702 (VCV004532702.2).
Genomic context (GRCh38, chr22:46,391,218, plus strand): 5'-TCCCTACACACAGGCCACGGCGACTCACCAACGGATCCCTTAGGGCATGGCACCGCAGCC[G>A]GCTGCCCGAACTTGGTCTGTGGCCACCAGATGCCGGCCTCAAATGCTTTGGGACAGCCAT-3'
Protein context (NP_001365257.1, residues 2063-2083): IWWPQTKFGQ[Pro2073Leu]AAVPCPKGSV

ClinVar aggregate classification (germline): Uncertain significance (1 of 4 stars; one submission).

gnomAD v4.1: 3 of 1,613,348 alleles (0.00019%); highest among the groups gnomAD compares: Non-Finnish European, 0.00025%; no homozygotes.

Submission:

GeneDx
Classification: Uncertain significance. Last evaluated: 2026-04-04. Review status: criteria provided, single submitter. Criteria: GeneDx Variant Classification Process June 2021. Collection method: clinical testing. Allele origin: germline.
Comment: Not observed at significant frequency in large population cohorts (gnomAD); In silico analysis supports that this missense variant has a deleterious effect on protein structure/function; Has not been previously published as pathogenic or benign to our knowledge